The following is an entry in ClinVar:

ClinVar aggregate classification (germline): Uncertain significance (1 of 4 stars; one submission).

Conditions:
Hereditary sensory and autonomic neuropathy type 6. Also called: Neuropathy, hereditary sensory and autonomic, type VI; HSAN VI. Identifiers: Orphanet 314381, MedGen C3539003, MONDO:0013839, OMIM 614653.
Epidermolysis bullosa simplex 3, localized or generalized intermediate, with BP230 deficiency (EBS3). Also called: Epidermolysis bullosa simplex due to BP230 deficiency; Epidermolysis bullosa simplex, autosomal recessive 2. Identifiers: Orphanet 412181, MedGen C3809470, MONDO:0014180, OMIM 615425.

Submission:

Labcorp Genetics (formerly Invitae), Labcorp
Classification: Uncertain significance for Epidermolysis bullosa simplex 3, localized or generalized intermediate, with BP230 deficiency; Hereditary sensory and autonomic neuropathy type 6. Last evaluated: 2024-01-02. Review status: criteria provided, single submitter. Criteria: Invitae Variant Classification Sherloc (09022015). Collection method: clinical testing. Allele origin: germline.
Comment: The DST gene has multiple clinically relevant transcripts. This variant occurs in alternate transcript NM_015548.4, and corresponds to NM_001723.5:c.*123302T>G in the primary transcript. This sequence change falls in intron 66 of the DST gene. It does not directly change the encoded amino acid sequence of the DST protein. This variant is not present in population databases (gnomAD no frequency). This variant has not been reported in the literature in individuals affected with DST-related conditions. Experimental studies and prediction algorithms are not available or were not evaluated, and the effect of this variant on mRNA splicing is currently unknown. In summary, the available evidence is currently insufficient to determine the role of this variant in disease. Therefore, it has been classified as a Variant of Uncertain Significance.

NM_001374736.1(DST):c.20757+12T>G

Gene: DST (dystonin; minus strand). Cytogenetic location: 6p12.1.
Variant type: single nucleotide variant.
Coding change: c.20757+12T>G on transcript NM_001374736.1 (MANE Select); 12 bases into the intron after coding-DNA position 20757, T replaced by G.
Molecular consequence: intron variant.
Genome position (GRCh38, 1-based): chr6:56,492,215, A>C on the plus strand (T>G on the coding strand, the complement: DST is on the minus strand). VCF-style: chr6-56492215-A-C. GRCh37 (hg19) VCF-style: chr6-56357013-A-C.
Other names: c.14400+12T>G (NM_001144769.5); c.20757+12T>G (NM_001374722.1); c.20784+12T>G (NM_001374734.1); c.13986+12T>G (NM_001144770.2); c.13539+12T>G (NM_001374730.1); c.13866+12T>G (NM_001386100.1, NM_183380.4); c.19797+12T>G (NM_001374729.1); c.12888+12T>G (NM_015548.5).
Identifiers: ClinVar variation 2031318 (VCV002031318.4), dbSNP rs2533935211, ClinGen allele CA2580075556.
Genomic context (GRCh38, chr6:56,492,215, plus strand): 5'-CCATAACATATATTTCAACAGCAAGAAGTGGTTTATTGACAAGTTCAGAGAATTTTTCTA[A>C]AGGGTTATTACCTGCTTGGCTCTCTTCCTTGCATCATCCAAAGATCTTCCTCTCTCTACC-3'